The following is an entry in ClinVar:

NM_178857.6(RP1L1):c.3027G>A (p.Ala1009=)

Gene: RP1L1 (RP1 like 1). Cytogenetic location: 8p23.1.
Variant type: single nucleotide variant.
Coding change: c.3027G>A on transcript NM_178857.6 (MANE Select); coding-DNA position 3027, G replaced by A.
Protein change: p.Ala1009=; no amino-acid change (alanine 1009 retained).
Molecular consequence: synonymous variant.
Genome position (GRCh38, 1-based): chr8:10,611,071, C>T on the plus strand (G>A on the coding strand, the complement: RP1L1 is on the minus strand). VCF-style: chr8-10611071-C-T. GRCh37 (hg19) VCF-style: chr8-10468581-C-T.
Identifiers: ClinVar variation 361321 (VCV000361321.23), dbSNP rs201640796, ClinGen allele CA4624618.

ClinVar aggregate classification (germline): Benign/Likely benign. Review status: criteria provided, multiple submitters, no conflicts (2 of 4 stars). 4 submissions from 4 submitters: Benign (1); Likely benign (3). Last evaluated 2026-03-01.

Conditions:
Occult macular dystrophy (OCMD). Also called: OMD; OCCULT MACULAR DYSTROPHY, SUSCEPTIBILITY TO. Identifiers: Orphanet 247834, MedGen C3150833, MONDO:0013316, OMIM 613587, HP:0030636.

Allele frequency attached by ClinVar (database versions not stated): TOPMed 0.00026; gnomAD 0.00061; ESP Exome Variant Server 0.00067.
gnomAD v4.1: 704 of 1,612,734 alleles (0.044%); highest among the groups gnomAD compares: Non-Finnish European, 0.05%; 3 homozygotes.

Submissions (4):

CeGaT Center for Human Genetics Tuebingen
Classification: Likely benign. Last evaluated: 2026-03-01. Review status: criteria provided, single submitter. Criteria: CeGaT Center For Human Genetics Tuebingen Variant Classification Criteria Version 2. Collection method: clinical testing. Allele origin: germline. Affected: yes. Observed: 3 variant alleles.
Comment: RP1L1: BP4, BP7

Laboratory of Genetics, Children's Clinical University Hospital Latvia
Classification: Likely benign. Last evaluated: 2025-02-16. Review status: criteria provided, single submitter. Criteria: ACMG Guidelines, 2015. Collection method: clinical testing. Allele origin: germline. Affected: yes.

Blueprint Genetics
Classification: Likely benign. Last evaluated: 2024-11-07. Review status: criteria provided, single submitter. Criteria: ACMG Guidelines, 2015. Collection method: clinical testing. Allele origin: germline.

Illumina Laboratory Services, Illumina
Classification: Benign for Occult macular dystrophy. Last evaluated: 2018-01-13. Review status: criteria provided, single submitter. Criteria: ICSL Variant Classification Criteria 13 December 2019. Collection method: clinical testing. Allele origin: germline.
Comment: This variant was observed in the ICSL laboratory as part of a predisposition screen in an ostensibly healthy population. It had not been previously curated by ICSL or reported in the Human Gene Mutation Database (HGMD: prior to June 1st, 2018), and was therefore a candidate for classification through an automated scoring system. Utilizing variant allele frequency, disease prevalence and penetrance estimates, and inheritance mode, an automated score was calculated to assess if this variant is too frequent to cause the disease. Based on the score and internal cut-off values, a variant classified as benign is not then subjected to further curation. The score for this variant resulted in a classification of benign for this disease.